The following is an entry in ClinVar:

NM_001128205.2(SULF1):c.883A>T (p.Arg295Trp)

Gene: SULF1 (sulfatase 1; plus strand). Cytogenetic location: 8q13.3.
Variant type: single nucleotide variant.
Coding change: c.883A>T on transcript NM_001128205.2 (MANE Select); coding-DNA position 883, A replaced by T.
Protein change: p.Arg295Trp; replaces arginine 295 with tryptophan.
Molecular consequence: missense variant. On other transcripts: 5 prime UTR variant (1), non-coding transcript variant (7).
Genome position (GRCh38, 1-based): chr8:69,600,751, A>T. VCF-style: chr8-69600751-A-T. GRCh37 (hg19) VCF-style: chr8-70512986-A-T.
Other names: c.883A>T (NM_001128205.1); c.883A>T, p.Arg295Trp (NM_001128204.2, NM_001128206.2, NM_001412828.1 and 18 more transcripts); c.697A>T, p.Arg233Trp (NM_001412841.1, NM_001412842.1); c.283A>T, p.Arg95Trp (NM_001412844.1, NM_001412845.1); c.-893A>T (NM_001412846.1); short protein forms R295W, R95W, R233W.
Identifiers: ClinVar variation 3702851 (VCV003702851.3).

ClinVar aggregate classification (germline): Uncertain significance. Review status: criteria provided, multiple submitters, no conflicts (2 of 4 stars). 2 submissions from 2 submitters: Uncertain significance (2). Last evaluated 2025-06-07.

gnomAD v4.1: 93 of 1,613,644 alleles (0.0058%); highest among the groups gnomAD compares: South Asian, 0.059%; no homozygotes.

Submissions (2):

Ambry Genetics
Classification: Uncertain significance. Last evaluated: 2025-06-07. Review status: criteria provided, single submitter. Criteria: Ambry Variant Classification Scheme 2023. Collection method: clinical testing. Allele origin: germline.

Labcorp Genetics (formerly Invitae), Labcorp
Classification: Uncertain significance. Last evaluated: 2024-05-23. Review status: criteria provided, single submitter. Criteria: Invitae Variant Classification Sherloc (09022015). Collection method: clinical testing. Allele origin: germline.
Comment: This sequence change replaces arginine, which is basic and polar, with tryptophan, which is neutral and slightly polar, at codon 295 of the SULF1 protein (p.Arg295Trp). This variant is present in population databases (rs766625802, gnomAD 0.07%), and has an allele count higher than expected for a pathogenic variant. This variant has not been reported in the literature in individuals affected with SULF1-related conditions. An algorithm developed to predict the effect of missense changes on protein structure and function (PolyPhen-2) suggests that this variant is likely to be disruptive. In summary, the available evidence is currently insufficient to determine the role of this variant in disease. Therefore, it has been classified as a Variant of Uncertain Significance.